The following is an entry in ClinVar:

NM_022436.3(ABCG5):c.141C>G (p.Val47=)

Gene: ABCG5 (ATP binding cassette subfamily G member 5; minus strand). Cytogenetic location: 2p21.
Variant type: single nucleotide variant.
Coding change: c.141C>G on transcript NM_022436.3 (MANE Select); coding-DNA position 141, C replaced by G.
Protein change: p.Val47=; no amino-acid change (valine 47 retained).
Molecular consequence: synonymous variant.
Genome position (GRCh38, 1-based): chr2:43,838,539, G>C on the plus strand (C>G on the coding strand, the complement: ABCG5 is on the minus strand). VCF-style: chr2-43838539-G-C. GRCh37 (hg19) VCF-style: chr2-44065678-G-C.
Identifiers: ClinVar variation 3053080 (VCV003053080.2), dbSNP rs2466149936, ClinGen allele CA425748753.
Genomic context (GRCh38, chr2:43,838,539, plus strand): 5'-GGTGAGCGCCGGGCCCCGCACTCCTGGGGGAGCAGCAGCAGCAAGGGCTCTGCCTTACCT[G>C]ACGCTGTAGGAGGCATGGAGGATGCCCAGGCTGTGAGGCTCCGGGGCGGTGGCAGGAGCC-3'
Protein context (NP_071881.1, residues 37-57): SLGILHASYS[Val47=]SHRVRPWWDI

ClinVar aggregate classification (germline): Likely benign (0 of 4 stars; one submission).

Conditions:
ABCG5-related disorder. Also called: ABCG5-related condition.

Submission:

PreventionGenetics, part of Exact Sciences
Classification: Likely benign for ABCG5-related condition. Last evaluated: 2023-04-20. Review status: no assertion criteria provided. Collection method: clinical testing. Allele origin: germline.
Comment: This variant is classified as likely benign based on ACMG/AMP sequence variant interpretation guidelines (Richards et al. 2015 PMID: 25741868, with internal and published modifications).